The following is an entry in ClinVar:

NM_000038.6(APC):c.-2_136-2903del

Gene: APC (APC regulator of Wnt signaling pathway; plus strand). Cytogenetic location: 5q22.2.
Variant type: Deletion.
Coding change: c.-2_136-2903del on transcript NM_000038.6 (MANE Select); 2 bases upstream of the start codon through 2903 bases into the intron before coding-DNA position 136, 8,535 bases deleted.
Molecular consequence: splice donor variant, initiator codon variant. On other transcripts: intron variant (8).
Genome position (GRCh38, 1-based): chr5:112,754,889-112,763,423, 8,535 bases deleted. GRCh37 (hg19): chr5:112,090,586-112,099,120.
Other names: c.-2_136-2903del (NM_001354895.2, NM_001127510.3, NM_001354896.2 and 2 more transcripts); c.166-11437_166-2903del (NM_001354897.2, NM_001354902.2, NM_001127511.3); c.61-11437_61-2903del (NM_001354898.2, NM_001354904.2); c.-1037_-900-2903del (NM_001354906.2); c.-42-11437_-42-2903del (NM_001354900.2, NM_001354901.2, NM_001354905.2).
Identifiers: ClinVar variation 1049076 (VCV001049076.2), ClinGen allele CA2499217389.

ClinVar aggregate classification (germline): Pathogenic. Review status: no assertion criteria provided (0 of 4 stars). 2 submissions from 1 submitter: Pathogenic (2).

Conditions:
Carcinoma of colon (CRC). Also called: Colonic carcinoma; Colon carcinoma. Identifiers: MedGen C0699790, MONDO:0002032.
Desmoid tumor. Also called: Aggressive fibromatosis; Desmoid tumour. Identifiers: Orphanet 873, MedGen C0079218, MONDO:0007608, HP:6001034.

Submissions (2):

Department of Pathology and Laboratory Medicine, Sinai Health System
Classification: Pathogenic for Desmoid tumor. Review status: no assertion criteria provided. Collection method: clinical testing. Allele origin: unknown. Affected: yes. Study: The Canadian Open Genetics Repository (COGR).
Comment: The c.1-?_8532+?del deletion in APC has been previously reported in the literature in 8 out of 436 proband chromosomes of individuals with familial adenomatous polyposis (FAP) (Nilbert, 2008; Sieber, 2002). This gene deletion alteration is predicted to lead to an absent protein and loss of function. Loss of function variants of the APC gene are an established disease mechanism for familial adenomatous polyposis. In summary, based on the above information, this variant is classified as pathogenic.

Department of Pathology and Laboratory Medicine, Sinai Health System
Classification: Pathogenic for Carcinoma of colon. Review status: no assertion criteria provided. Collection method: clinical testing. Allele origin: unknown. Affected: yes. Study: The Canadian Open Genetics Repository (COGR).
Comment: the same text as in the submission from Department of Pathology and Laboratory Medicine, Sinai Health System above.